The following is an entry in ClinVar:

NM_006030.4(CACNA2D2):c.2760_2764del (p.Tyr920_Asn922delinsTer)

Genes: CACNA2D2 (calcium voltage-gated channel auxiliary subunit alpha2delta 2; minus strand), LOC101928965 (uncharacterized LOC101928965; plus strand), LOC127898564 (CYB561D2-LOC101928965; plus strand). Cytogenetic location: 3p21.31.
Variant type: Deletion.
Coding change: c.2760_2764del on transcript NM_006030.4 (MANE Select); coding-DNA positions 2760 to 2764, 5 bases deleted (CAATA; older notation c.2760_2764delCAATA).
Protein change: p.Tyr920_Asn922delinsTer.
Molecular consequence: nonsense. On other transcripts: non-coding transcript variant (1).
Genome position (GRCh38, 1-based): chr3:50,366,109-50,366,113, TATTG deleted on the plus strand (CAATA on the coding strand, the reverse complement: CACNA2D2 is on the minus strand); deleting any 5 consecutive bases within chr3:50,366,109-50,366,115 gives the same sequence; the c. name uses the placement nearest the transcript's 3' end. VCF-style (leftmost placement, unchanged base first): chr3-50366108-TTATTG-T. GRCh37 (hg19) VCF-style: chr3-50403539-TTATTG-T.
Other names: c.2760_2764del, p.Tyr920_Asn922delinsTer (NM_001005505.3); c.2781_2785del, p.Tyr927_Asn929delinsTer (NM_001174051.3); c.2553_2557del, p.Tyr851_Asn853delinsTer (NM_001291101.1); c.2763_2767del, p.Tyr921_Asn923delinsTer (NM_001410768.1).
Identifiers: ClinVar variation 2653860 (VCV002653860.24), dbSNP rs2470980570, ClinGen allele CA2695197908.
Genomic context (GRCh38, chr3:50,366,108, plus strand): 5'-GGGGGCTGAGGGGCACAGGCTGCCTGATAGTCATAGGACTCCTTGCGGGTGTAGAAGGAG[TTATTG>T]TAGAGTGCCAGCATCAGGTTGGCATCCACCTCACTGAAGAACCTGCCCACCTGAGGATGT-3'

ClinVar aggregate classification (germline): Likely pathogenic (1 of 4 stars; one submission).

Submission:

CeGaT Center for Human Genetics Tuebingen
Classification: Likely pathogenic. Last evaluated: 2022-06-01. Review status: criteria provided, single submitter. Criteria: CeGaT Center For Human Genetics Tuebingen Variant Classification Criteria Version 2. Collection method: clinical testing. Allele origin: germline. Affected: yes. Observed: 1 variant allele.
Comment: CACNA2D2: PVS1:Strong, PM2